The following is an entry in ClinVar:

NM_000219.6(KCNE1):c.200G>C (p.Arg67Pro)

Gene: KCNE1 (potassium voltage-gated channel subfamily E regulatory subunit 1; minus strand). Cytogenetic location: 21q22.12.
Variant type: single nucleotide variant.
Coding change: c.200G>C on transcript NM_000219.6 (MANE Select); coding-DNA position 200, G replaced by C.
Protein change: p.Arg67Pro; replaces arginine 67 with proline.
Molecular consequence: missense variant.
Genome position (GRCh38, 1-based): chr21:34,449,435, C>G on the plus strand (G>C on the coding strand, the complement: KCNE1 is on the minus strand). VCF-style: chr21-34449435-C-G. GRCh37 (hg19) VCF-style: chr21-35821733-C-G.
Other names: c.200G>C, p.Arg67Pro (NM_001127668.4, NM_001127669.4, NM_001127670.4 and 4 more transcripts); short protein forms R67P.
Identifiers: ClinVar variation 3374312 (VCV003374312.2).

Conditions:
Long QT syndrome 5 (LQT5). Identifiers: Orphanet 101016, Orphanet 768, MedGen C1867904, MONDO:0013372, OMIM 613695.

Submission:

Roden Lab, Vanderbilt University Medical Center
No classification provided (evidence only). Condition: Long QT syndrome 5. Review status: no classification provided. Collection method: in vitro. Allele origin: not applicable. Functional consequence: Effect on ion channel function.
ClinVar note: "not provided" was previously submitted as the classification for the variant. However, the classification appeared to be based only on an observation of functional data so it was converted to no classification on 2025-07-30.